The following is an entry in ClinVar:

NM_004562.3(PRKN):c.409C>G (p.Pro137Ala)

Gene: PRKN (parkin RBR E3 ubiquitin protein ligase; minus strand). Cytogenetic location: 6q26.
Variant type: single nucleotide variant.
Coding change: c.409C>G on transcript NM_004562.3 (MANE Select); coding-DNA position 409, C replaced by G.
Protein change: p.Pro137Ala; replaces proline 137 with alanine.
Molecular consequence: missense variant. On other transcripts: intron variant (1).
Genome position (GRCh38, 1-based): chr6:162,262,528, G>C on the plus strand (C>G on the coding strand, the complement: PRKN is on the minus strand). VCF-style: chr6-162262528-G-C. GRCh37 (hg19) VCF-style: chr6-162683560-G-C.
Other names: c.409C>G, p.Pro137Ala (NM_013987.3); c.171+180782C>G (NM_013988.3); short protein forms P137A.
Identifiers: ClinVar variation 1308148 (VCV001308148.2), dbSNP rs1779933576, ClinGen allele CA366475728.
Genomic context (GRCh38, chr6:162,262,528, plus strand): 5'-AGACTGCACTAAACAAACAAACAAAATGCTTTAATAATCTTAGAGCATTCCAATTACCTG[G>C]ACTTCCAGCTGGTGGTGAGTCCTTCCTGCTGTCAGTGTGCAGAATGACAGCCAGCCCCAC-3'
Protein context (NP_004553.2, residues 127-147): SRKDSPPAGS[Pro137Ala]AGRSIYNSFY

ClinVar aggregate classification (germline): Uncertain significance (1 of 4 stars; one submission).

Submission:

GeneDx
Classification: Uncertain significance. Last evaluated: 2019-08-26. Review status: criteria provided, single submitter. Criteria: GeneDx Variant Classification Process June 2021. Collection method: clinical testing. Allele origin: germline. Affected: yes.
Comment: Not observed in large population cohorts (Lek et al., 2016); In silico analysis, which includes protein predictors and evolutionary conservation, supports that this variant does not alter protein structure/function; Has not been previously published as pathogenic or benign to our knowledge